The following is an entry in ClinVar:

NM_004260.4(RECQL4):c.3100G>A (p.Ala1034Thr)

Gene: RECQL4 (RecQ like helicase 4; minus strand). Cytogenetic location: 8q24.3.
Variant type: single nucleotide variant.
Coding change: c.3100G>A on transcript NM_004260.4 (MANE Select); coding-DNA position 3100, G replaced by A.
Protein change: p.Ala1034Thr; replaces alanine 1034 with threonine.
Molecular consequence: missense variant. On other transcripts: non-coding transcript variant (2).
Genome position (GRCh38, 1-based): chr8:144,512,280, C>T on the plus strand (G>A on the coding strand, the complement: RECQL4 is on the minus strand). VCF-style: chr8-144512280-C-T. GRCh37 (hg19) VCF-style: chr8-145737663-C-T.
Other names: c.2806G>A, p.Ala936Thr (NM_001413017.1); c.2902G>A, p.Ala968Thr (NM_001413018.1); c.3175G>A, p.Ala1059Thr (NM_001413019.1); c.3004G>A, p.Ala1002Thr (NM_001413020.1); c.2029G>A, p.Ala677Thr (NM_001413021.1, NM_001413022.1, NM_001413024.1 and 4 more transcripts); c.2104G>A, p.Ala702Thr (NM_001413023.1); c.2971G>A, p.Ala991Thr (NM_001413025.1); c.1963G>A, p.Ala655Thr (NM_001413027.1, NM_001413030.1, NM_001413032.1); and 9 more; short protein forms A1024T, A677T, A968T, A1002T, A545T, A680T, A702T, A936T.
Identifiers: ClinVar variation 3944337 (VCV003944337.1).

ClinVar aggregate classification (germline): Uncertain significance (1 of 4 stars; one submission).

Conditions:
Inborn genetic diseases. Identifiers: MedGen C0950123, MeSH D030342.

Submission:

Ambry Genetics
Classification: Uncertain significance for Inborn genetic diseases. Last evaluated: 2025-05-23. Review status: criteria provided, single submitter. Criteria: Ambry Variant Classification Scheme 2023. Collection method: clinical testing. Allele origin: germline.
Comment: The p.A1034T variant (also known as c.3100G>A), located in coding exon 18 of the RECQL4 gene, results from a G to A substitution at nucleotide position 3100. The alanine at codon 1034 is replaced by threonine, an amino acid with similar properties. This amino acid position is conserved. Based on the available evidence, the clinical significance of this variant remains unclear.